The following is an entry in ClinVar:

ClinVar aggregate classification (germline): Uncertain significance. Review status: criteria provided, multiple submitters, no conflicts (2 of 4 stars). 2 submissions from 2 submitters: Uncertain significance (2). Last evaluated 2025-09-24.

Conditions:
Inborn genetic diseases. Identifiers: MedGen C0950123, MeSH D030342.

Allele frequency attached by ClinVar (database versions not stated): TOPMed 0.00004; gnomAD 0.00003; gnomAD exomes 0.00004.
gnomAD v4.1: 62 of 1,561,020 alleles (0.004%); highest among the groups gnomAD compares: Middle Eastern, 0.066%; no homozygotes.

Submissions (2):

Ambry Genetics
Classification: Uncertain significance for Inborn genetic diseases. Last evaluated: 2025-09-24. Review status: criteria provided, single submitter. Criteria: Ambry Variant Classification Scheme 2023. Collection method: clinical testing. Allele origin: germline.

Labcorp Genetics (formerly Invitae), Labcorp
Classification: Uncertain significance. Last evaluated: 2022-04-18. Review status: criteria provided, single submitter. Criteria: Invitae Variant Classification Sherloc (09022015). Collection method: clinical testing. Allele origin: germline.
Comment: This sequence change replaces threonine, which is neutral and polar, with methionine, which is neutral and non-polar, at codon 1513 of the COL27A1 protein (p.Thr1513Met). The frequency data for this variant in the population databases is considered unreliable, as metrics indicate poor data quality at this position in the gnomAD database. This variant has not been reported in the literature in individuals affected with COL27A1-related conditions. Advanced modeling of protein sequence and biophysical properties (such as structural, functional, and spatial information, amino acid conservation, physicochemical variation, residue mobility, and thermodynamic stability) performed at Invitae indicates that this missense variant is not expected to disrupt COL27A1 protein function. In summary, the available evidence is currently insufficient to determine the role of this variant in disease. Therefore, it has been classified as a Variant of Uncertain Significance.

NM_032888.4(COL27A1):c.4538C>T (p.Thr1513Met)

Gene: COL27A1 (collagen type XXVII alpha 1 chain; plus strand). Cytogenetic location: 9q32.
Variant type: single nucleotide variant.
Coding change: c.4538C>T on transcript NM_032888.4 (MANE Select); coding-DNA position 4538, C replaced by T.
Protein change: p.Thr1513Met; replaces threonine 1513 with methionine.
Molecular consequence: missense variant.
Genome position (GRCh38, 1-based): chr9:114,292,164, C>T. VCF-style: chr9-114292164-C-T. GRCh37 (hg19) VCF-style: chr9-117054444-C-T.
Other names: c.4538C>T (NM_032888.2); short protein forms T1513M.
Identifiers: ClinVar variation 2140229 (VCV002140229.2), dbSNP rs953786825, ClinGen allele CA198614580.